The following is an entry in ClinVar:

NM_015295.3(SMCHD1):c.5758G>C (p.Asp1920His)

Gene: SMCHD1 (structural maintenance of chromosomes flexible hinge domain containing 1; plus strand). Cytogenetic location: 18p11.32.
Variant type: single nucleotide variant.
Coding change: c.5758G>C on transcript NM_015295.3 (MANE Select); coding-DNA position 5758, G replaced by C.
Protein change: p.Asp1920His; replaces aspartic acid 1920 with histidine.
Molecular consequence: missense variant.
Genome position (GRCh38, 1-based): chr18:2,795,987, G>C. VCF-style: chr18-2795987-G-C. GRCh37 (hg19) VCF-style: chr18-2795985-G-C.
Other names: short protein forms D1920H.
Identifiers: ClinVar variation 3701508 (VCV003701508.2).

ClinVar aggregate classification (germline): Uncertain significance (1 of 4 stars; one submission).

Conditions:
Facioscapulohumeral muscular dystrophy 2 (FSHD2). Also called: MUSCULAR DYSTROPHY, FACIOSCAPULOHUMERAL, TYPE 1B; FACIOSCAPULOHUMERAL MUSCULAR DYSTROPHY 2, DIGENIC; FSHD2, DIGENIC. Identifiers: Orphanet 269, MedGen C1834671, MONDO:0008031, OMIM 158901.

gnomAD v4.1: 13 of 1,598,044 alleles (0.00081%); highest among the groups gnomAD compares: Non-Finnish European, 0.001%; no homozygotes.

Submission:

Labcorp Genetics (formerly Invitae), Labcorp
Classification: Uncertain significance for Facioscapulohumeral muscular dystrophy 2. Last evaluated: 2024-06-28. Review status: criteria provided, single submitter. Criteria: Invitae Variant Classification Sherloc (09022015). Collection method: clinical testing. Allele origin: germline.
Comment: This sequence change replaces aspartic acid, which is acidic and polar, with histidine, which is basic and polar, at codon 1920 of the SMCHD1 protein (p.Asp1920His). The frequency data for this variant in the population databases is considered unreliable, as metrics indicate poor data quality at this position in the gnomAD database. This variant has not been reported in the literature in individuals affected with SMCHD1-related conditions. Advanced modeling of protein sequence and biophysical properties (such as structural, functional, and spatial information, amino acid conservation, physicochemical variation, residue mobility, and thermodynamic stability) performed at Invitae indicates that this missense variant is not expected to disrupt SMCHD1 protein function with a negative predictive value of 80%. In summary, the available evidence is currently insufficient to determine the role of this variant in disease. Therefore, it has been classified as a Variant of Uncertain Significance.